The following is an entry in ClinVar:

NM_001013703.4(EIF2AK4):c.4401C>T (p.Phe1467=)

Gene: EIF2AK4 (eukaryotic translation initiation factor 2 alpha kinase 4; plus strand). Cytogenetic location: 15q15.1.
Variant type: single nucleotide variant.
Coding change: c.4401C>T on transcript NM_001013703.4 (MANE Select); coding-DNA position 4401, C replaced by T.
Protein change: p.Phe1467=; no amino-acid change (phenylalanine 1467 retained).
Molecular consequence: synonymous variant.
Genome position (GRCh38, 1-based): chr15:40,025,988, C>T. VCF-style: chr15-40025988-C-T. GRCh37 (hg19) VCF-style: chr15-40318189-C-T.
Identifiers: ClinVar variation 3034531 (VCV003034531.3), dbSNP rs200983505, ClinGen allele CA7474616.

ClinVar aggregate classification (germline): Likely benign. Review status: criteria provided, single submitter (1 of 4 stars). 2 submissions from 2 submitters: Likely benign (1). 1 of the submissions does not count toward it. Last evaluated 2024-10-25.

Conditions:
EIF2AK4-related disorder. Also called: EIF2AK4-related condition.

Allele frequency attached by ClinVar (database versions not stated): gnomAD 0.00003; TOPMed 0.00005; ExAC 0.00009; 1000 Genomes Project 30x 0.00016; 1000 Genomes Project 0.00020.
gnomAD v4.1: 33 of 1,613,874 alleles (0.002%); highest among the groups gnomAD compares: Middle Eastern, 0.033%; no homozygotes.

Submissions (2):

Blueprint Genetics
Classification: Likely benign. Last evaluated: 2024-10-25. Review status: criteria provided, single submitter. Criteria: ACMG Guidelines, 2015. Collection method: clinical testing. Allele origin: germline.

PreventionGenetics, part of Exact Sciences
Classification: Likely benign for EIF2AK4-related condition. Last evaluated: 2019-08-09. Review status: no assertion criteria provided. Collection method: clinical testing. Allele origin: germline. Not counted in ClinVar's aggregate classification.
Comment: This variant is classified as likely benign based on ACMG/AMP sequence variant interpretation guidelines (Richards et al. 2015 PMID: 25741868, with internal and published modifications).